The following is an entry in ClinVar:

NM_018105.3(THAP1):c.403C>T (p.His135Tyr)

Gene: THAP1 (THAP domain containing 1; minus strand). Cytogenetic location: 8p11.21.
Variant type: single nucleotide variant.
Coding change: c.403C>T on transcript NM_018105.3 (MANE Select); coding-DNA position 403, C replaced by T.
Protein change: p.His135Tyr; replaces histidine 135 with tyrosine.
Molecular consequence: missense variant. On other transcripts: 3 prime UTR variant (1).
Genome position (GRCh38, 1-based): chr8:42,838,201, G>A on the plus strand (C>T on the coding strand, the complement: THAP1 is on the minus strand). VCF-style: chr8-42838201-G-A. GRCh37 (hg19) VCF-style: chr8-42693344-G-A.
Other names: c.*45C>T (NM_199003.2); short protein forms H135Y.
Identifiers: ClinVar variation 863325 (VCV000863325.1), dbSNP rs1802650746, ClinGen allele CA371107131.

ClinVar aggregate classification (germline): Uncertain significance (1 of 4 stars; one submission).

Conditions:
Torsion dystonia 6 (DYT6). Also called: DYT-THAP1. Identifiers: Orphanet 98806, MedGen C1414216, MONDO:0011264, OMIM 602629.

Submission:

Labcorp Genetics (formerly Invitae), Labcorp
Classification: Uncertain significance for Dystonia 6, torsion. Last evaluated: 2019-12-06. Review status: criteria provided, single submitter. Criteria: Invitae Variant Classification Sherloc (09022015). Collection method: clinical testing. Allele origin: germline.
Comment: This sequence change replaces histidine with tyrosine at codon 135 of the THAP1 protein (p.His135Tyr). The histidine residue is highly conserved and there is a moderate physicochemical difference between histidine and tyrosine. This variant is not present in population databases (ExAC no frequency). This variant has not been reported in the literature in individuals with THAP1-related conditions. Algorithms developed to predict the effect of missense changes on protein structure and function are either unavailable or do not agree on the potential impact of this missense change (SIFT: "Tolerated"; PolyPhen-2: "Probably Damaging"; Align-GVGD: "Class C0"). In summary, the available evidence is currently insufficient to determine the role of this variant in disease. Therefore, it has been classified as a Variant of Uncertain Significance.